The following is an entry in ClinVar:

ClinVar aggregate classification (germline): Likely benign (0 of 4 stars; one submission).

Conditions:
MYRF-related disorder. Also called: MYRF-related disorders; MYRF-related condition.

Submission:

PreventionGenetics, part of Exact Sciences
Classification: Likely benign for MYRF-related condition. Last evaluated: 2019-07-13. Review status: no assertion criteria provided. Collection method: clinical testing. Allele origin: germline.
Comment: This variant is classified as likely benign based on ACMG/AMP sequence variant interpretation guidelines (Richards et al. 2015 PMID: 25741868, with internal and published modifications).

NM_001127392.3(MYRF):c.2014-34TGGCCCA[3]

Gene: MYRF (myelin regulatory factor; plus strand). Cytogenetic location: 11q12.2.
Variant type: Microsatellite.
Coding change: c.2014-34TGGCCCA[3] on transcript NM_001127392.3 (MANE Select); three copies in a row of the 7-base unit TGGCCCA starting at c.2014-34.
Molecular consequence: intron variant.
Genome position: GRCh38 VCF-style: chr11-61779228-TTGGCCCA-T. GRCh37 (hg19) VCF-style: chr11-61546700-TTGGCCCA-T.
Other names: c.1987-34TGGCCCA[3] (NM_013279.4).
Identifiers: ClinVar variation 3049494 (VCV003049494.2), dbSNP rs534400107, ClinGen allele CA6038036.